The following is an entry in ClinVar:

ClinVar aggregate classification (germline): Uncertain significance. Review status: criteria provided, multiple submitters, no conflicts (2 of 4 stars). 2 submissions from 2 submitters: Uncertain significance (2). Last evaluated 2024-02-18.

Submissions (2):

GeneDx
Classification: Uncertain significance. Last evaluated: 2024-02-18. Review status: criteria provided, single submitter. Criteria: GeneDx Variant Classification Process June 2021. Collection method: clinical testing. Allele origin: germline. Affected: yes.
Comment: Not observed at significant frequency in large population cohorts (gnomAD); Has not been previously published as pathogenic or benign to our knowledge; Nonsense variant predicted to result in protein truncation or nonsense mediated decay in a gene for which loss-of-function is not a known mechanism of disease

Blueprint Genetics
Classification: Uncertain significance. Last evaluated: 2022-05-25. Review status: criteria provided, single submitter. Criteria: ACMG Guidelines, 2015. Collection method: clinical testing. Allele origin: germline.

NM_001940.4(ATN1):c.3254C>A (p.Ser1085Ter)

Gene: ATN1 (atrophin 1; plus strand). Cytogenetic location: 12p13.31.
Variant type: single nucleotide variant.
Coding change: c.3254C>A on transcript NM_001940.4 (MANE Select); coding-DNA position 3254, C replaced by A.
Protein change: p.Ser1085Ter; replaces serine 1085 with a stop codon.
Molecular consequence: nonsense.
Genome position (GRCh38, 1-based): chr12:6,940,919, C>A. VCF-style: chr12-6940919-C-A. GRCh37 (hg19) VCF-style: chr12-7050082-C-A.
Other names: c.3254C>A, p.Ser1085Ter (NM_001424176.1, NM_001424177.1, NM_001424178.1 and 1 more transcripts); c.3251C>A, p.Ser1084Ter (NM_001424179.1, NM_001424180.1); c.3230C>A, p.Ser1077Ter (NM_001424182.1); short protein forms S1077*, S1084*, S1085*.
Identifiers: ClinVar variation 3369453 (VCV003369453.2).